The following is an entry in ClinVar:

NM_006118.4(HAX1):c.47C>T (p.Pro16Leu)

Gene: HAX1 (HCLS1 associated protein X-1; plus strand). Cytogenetic location: 1q21.3.
Variant type: single nucleotide variant.
Coding change: c.47C>T on transcript NM_006118.4 (MANE Select); coding-DNA position 47, C replaced by T.
Protein change: p.Pro16Leu; replaces proline 16 with leucine.
Molecular consequence: missense variant.
Genome position (GRCh38, 1-based): chr1:154,272,770, C>T. VCF-style: chr1-154272770-C-T. GRCh37 (hg19) VCF-style: chr1-154245246-C-T.
Other names: c.47C>T, p.Pro16Leu (NM_001018837.2); c.47C>T (NM_006118.3); short protein forms P16L.
Identifiers: ClinVar variation 1407230 (VCV001407230.7), dbSNP rs1310502848, ClinGen allele CA342591162.

ClinVar aggregate classification (germline): Uncertain significance. Review status: criteria provided, multiple submitters, no conflicts (2 of 4 stars). 2 submissions from 2 submitters: Uncertain significance (2). Last evaluated 2025-10-28.

Conditions:
Kostmann syndrome (SCN3). Also called: KOSTMANN DISEASE; Autosomal recessive severe congenital neutropenia type 3. Identifiers: Orphanet 99749, MedGen C5235141, MONDO:0012548, OMIM 610738.
Inborn genetic diseases. Identifiers: MedGen C0950123, MeSH D030342.

Submissions (2):

Ambry Genetics
Classification: Uncertain significance for Inborn genetic diseases. Last evaluated: 2025-10-28. Review status: criteria provided, single submitter. Criteria: Ambry Variant Classification Scheme 2023. Collection method: clinical testing. Allele origin: germline.
Comment: The p.P16L variant (also known as c.47C>T), located in coding exon 1 of the HAX1 gene, results from a C to T substitution at nucleotide position 47. The proline at codon 16 is replaced by leucine, an amino acid with similar properties. This amino acid position is conserved. In addition, this alteration is predicted to be tolerated by in silico analysis. Based on the available evidence, the clinical significance of this variant remains unclear.

Labcorp Genetics (formerly Invitae), Labcorp
Classification: Uncertain significance for Kostmann syndrome. Last evaluated: 2025-07-02. Review status: criteria provided, single submitter. Criteria: Invitae Variant Classification Sherloc (09022015). Collection method: clinical testing. Allele origin: germline.
Comment: This sequence change replaces proline, which is neutral and non-polar, with leucine, which is neutral and non-polar, at codon 16 of the HAX1 protein (p.Pro16Leu). This variant is not present in population databases (gnomAD no frequency). This variant has not been reported in the literature in individuals affected with HAX1-related conditions. ClinVar contains an entry for this variant (Variation ID: 1407230). Invitae Evidence Modeling of protein sequence and biophysical properties (such as structural, functional, and spatial information, amino acid conservation, physicochemical variation, residue mobility, and thermodynamic stability) indicates that this missense variant is not expected to disrupt HAX1 protein function with a negative predictive value of 80%. In summary, the available evidence is currently insufficient to determine the role of this variant in disease. Therefore, it has been classified as a Variant of Uncertain Significance.